The following is an entry in ClinVar:

ClinVar aggregate classification (germline): Uncertain significance (1 of 4 stars; one submission).

Submission:

ISCA site 4
Classification: Uncertain significance. Last evaluated: 2011-08-12. Review status: criteria provided, single submitter. Criteria: Kaminsky et al. (Genet Med. 2011). Collection method: clinical testing. Allele origin: maternal. Affected: yes. Observed: 1 variant allele.
Comment: Copy number variation identified through the course of routine clinical cytogenomic testing in postnatal populations. Clinical assertions have been curated as described in Kaminsky et al. 2011.

GRCh38/hg38 11p15.3(chr11:12147544-12638655)x3

Genes: MICAL2 (microtubule associated monooxygenase, calponin and LIM domain containing 2; plus strand), MICALCL (MICAL C-terminal like; plus strand), MIR6124 (microRNA 6124; plus strand), PARVA (parvin alpha; plus strand), LOC112042781 (Sharpr-MPRA regulatory region 12121; plus strand) and 5 more. Cytogenetic location: 11p15.3.
Variant type: copy number gain.
Change: copy number 3 (three copies instead of two) of chr11:12,147,544-12,638,655 (491.1 kb, GRCh38 coordinates, 1-based), cytogenetic band 11p15.3.
Identifiers: ClinVar variation 57271 (VCV000057271.1).